The following is an entry in ClinVar:

ClinVar aggregate classification (germline): Likely benign (0 of 4 stars; one submission).

Conditions:
NUDT6-related disorder. Also called: NUDT6-related condition.

Allele frequency attached by ClinVar (database versions not stated): gnomAD exomes 0.00007; 1000 Genomes Project 30x 0.00016; 1000 Genomes Project 0.00020; ExAC 0.00030; gnomAD 0.00099; TOPMed 0.00102; ESP Exome Variant Server 0.00115.
gnomAD v4.1: 256 of 1,614,068 alleles (0.016%); highest among the groups gnomAD compares: African/African-American, 0.28%; no homozygotes.

Submission:

PreventionGenetics, part of Exact Sciences
Classification: Likely benign for NUDT6-related condition. Last evaluated: 2022-08-21. Review status: no assertion criteria provided. Collection method: clinical testing. Allele origin: germline.
Comment: This variant is classified as likely benign based on ACMG/AMP sequence variant interpretation guidelines (Richards et al. 2015 PMID: 25741868, with internal and published modifications).

NM_007083.5(NUDT6):c.764C>T (p.Ala255Val)

Genes: FGF2 (fibroblast growth factor 2; plus strand), NUDT6 (nudix hydrolase 6; minus strand). Cytogenetic location: 4q28.1.
Variant type: single nucleotide variant.
Coding change: c.764C>T on transcript NM_007083.5 (MANE Select); coding-DNA position 764, C replaced by T.
Protein change: p.Ala255Val; replaces alanine 255 with valine.
Molecular consequence: missense variant. On other transcripts: 3 prime UTR variant (2).
Genome position (GRCh38, 1-based): chr4:122,893,015, G>A on the plus strand (C>T on the coding strand, the complement: NUDT6 is on the minus strand). VCF-style: chr4-122893015-G-A. GRCh37 (hg19) VCF-style: chr4-123814170-G-A.
Other names: c.257C>T, p.Ala86Val (NM_198041.3); c.*619G>A (NM_001361665.2, NM_002006.6); short protein forms A255V, A86V.
Identifiers: ClinVar variation 3050768 (VCV003050768.2), dbSNP rs138619142, ClinGen allele CA3069792.